The following is an entry in ClinVar:

NM_020937.4(FANCM):c.4237A>G (p.Thr1413Ala)

Gene: FANCM (FA complementation group M; plus strand). Cytogenetic location: 14q21.2.
Variant type: single nucleotide variant.
Coding change: c.4237A>G on transcript NM_020937.4 (MANE Select); coding-DNA position 4237, A replaced by G.
Protein change: p.Thr1413Ala; replaces threonine 1413 with alanine.
Molecular consequence: missense variant.
Genome position (GRCh38, 1-based): chr14:45,181,444, A>G. VCF-style: chr14-45181444-A-G. GRCh37 (hg19) VCF-style: chr14-45650647-A-G.
Other names: c.4159A>G, p.Thr1387Ala (NM_001308133.2); short protein forms T1387A, T1413A.
Identifiers: ClinVar variation 4798214 (VCV004798214.1).

ClinVar aggregate classification (germline): Uncertain significance (1 of 4 stars; one submission).

Conditions:
Fanconi anemia (FA). Also called: Fanconi's anemia. Identifiers: Orphanet 84, MedGen C0015625, MeSH D005199, MONDO:0019391.

gnomAD v4.1: 1 of 1,579,022 alleles (0.000063%); no homozygotes.

Submission:

Labcorp Genetics (formerly Invitae), Labcorp
Classification: Uncertain significance for Fanconi anemia. Last evaluated: 2025-11-11. Review status: criteria provided, single submitter. Criteria: Invitae Variant Classification Sherloc (09022015). Collection method: clinical testing. Allele origin: germline.
Comment: This sequence change replaces threonine, which is neutral and polar, with alanine, which is neutral and non-polar, at codon 1413 of the FANCM protein (p.Thr1413Ala). This variant is not present in population databases (gnomAD no frequency). This variant has not been reported in the literature in individuals affected with FANCM-related conditions. An algorithm developed to predict the effect of missense changes on protein structure and function (PolyPhen-2) suggests that this variant is likely to be tolerated. In summary, the available evidence is currently insufficient to determine the role of this variant in disease. Therefore, it has been classified as a Variant of Uncertain Significance.